The following is an entry in ClinVar:

NM_001211.6(BUB1B):c.583C>G (p.Gln195Glu)

Gene: BUB1B (BUB1 mitotic checkpoint serine/threonine kinase B; plus strand). Cytogenetic location: 15q15.1.
Variant type: single nucleotide variant.
Coding change: c.583C>G on transcript NM_001211.6 (MANE Select); coding-DNA position 583, C replaced by G.
Protein change: p.Gln195Glu; replaces glutamine 195 with glutamic acid.
Molecular consequence: missense variant.
Genome position (GRCh38, 1-based): chr15:40,183,715, C>G. VCF-style: chr15-40183715-C-G. GRCh37 (hg19) VCF-style: chr15-40475916-C-G.
Other names: short protein forms Q195E.
Identifiers: ClinVar variation 2058822 (VCV002058822.6), dbSNP rs2542533230, ClinGen allele CA391682999.
Genomic context (GRCh38, chr15:40,183,715, plus strand): 5'-TTTTGAGTCTGGTAAAATAGTGGTCACCTCACTAAAAGTTGTGCATTCTGCTACTTTAGA[C>G]AATTCCAAGCTCGAGTGTCTCGGCAAACTCTGTTGGCACTTGAGAAAGAAGAAGAGGAGG-3'
Protein context (NP_001202.5, residues 185-205): PLERLQSQHR[Gln195Glu]FQARVSRQTL

ClinVar aggregate classification (germline): Uncertain significance. Review status: criteria provided, multiple submitters, no conflicts (2 of 4 stars). 2 submissions from 2 submitters: Uncertain significance (2). Last evaluated 2023-01-16.

Conditions:
Mosaic variegated aneuploidy syndrome 1 (MVA1). Also called: Warburton-Anyane-Yeboa syndrome. Identifiers: Orphanet 1052, MedGen C1850343, MONDO:0009759, OMIM 257300.
Inborn genetic diseases. Identifiers: MedGen C0950123, MeSH D030342.

Submissions (2):

Ambry Genetics
Classification: Uncertain significance for Inborn genetic diseases. Last evaluated: 2023-01-16. Review status: criteria provided, single submitter. Criteria: Ambry Variant Classification Scheme 2023. Collection method: clinical testing. Allele origin: germline.
Comment: The p.Q195E variant (also known as c.583C>G), located in coding exon 6 of the BUB1B gene, results from a C to G substitution at nucleotide position 583. The glutamine at codon 195 is replaced by glutamic acid, an amino acid with highly similar properties. This amino acid position is conserved. In addition, this alteration is predicted to be tolerated by in silico analysis. Since supporting evidence is limited at this time, the clinical significance of this alteration remains unclear.

Labcorp Genetics (formerly Invitae), Labcorp
Classification: Uncertain significance for Mosaic variegated aneuploidy syndrome 1. Last evaluated: 2022-10-20. Review status: criteria provided, single submitter. Criteria: Invitae Variant Classification Sherloc (09022015). Collection method: clinical testing. Allele origin: germline.
Comment: In summary, the available evidence is currently insufficient to determine the role of this variant in disease. Therefore, it has been classified as a Variant of Uncertain Significance. This sequence change replaces glutamine, which is neutral and polar, with glutamic acid, which is acidic and polar, at codon 195 of the BUB1B protein (p.Gln195Glu). This variant is not present in population databases (gnomAD no frequency). This variant has not been reported in the literature in individuals affected with BUB1B-related conditions. Algorithms developed to predict the effect of missense changes on protein structure and function are either unavailable or do not agree on the potential impact of this missense change (SIFT: "Tolerated"; PolyPhen-2: "Possibly Damaging"; Align-GVGD: "Class C0"). Algorithms developed to predict the effect of sequence changes on RNA splicing suggest that this variant may create or strengthen a splice site.